The following is an entry in ClinVar:

NM_003823.4(TNFRSF6B):c.779G>A (p.Arg260Gln)

Genes: RTEL1-TNFRSF6B (RTEL1-TNFRSF6B readthrough (NMD candidate); plus strand), TNFRSF6B (TNF receptor superfamily member 6b; plus strand). Cytogenetic location: 20q13.33.
Variant type: single nucleotide variant.
Coding change: c.779G>A on transcript NM_003823.4 (MANE Select); coding-DNA position 779, G replaced by A.
Protein change: p.Arg260Gln; replaces arginine 260 with glutamine.
Molecular consequence: missense variant. On other transcripts: non-coding transcript variant (1).
Genome position (GRCh38, 1-based): chr20:63,698,439, G>A. VCF-style: chr20-63698439-G-A. GRCh37 (hg19) VCF-style: chr20-62329792-G-A.
Other names: c.779G>A (NM_003823.3); short protein forms R260Q.
Identifiers: ClinVar variation 1434591 (VCV001434591.7), dbSNP rs757105703, ClinGen allele CA9966608.

ClinVar aggregate classification (germline): Conflicting classifications of pathogenicity. Review status: criteria provided, conflicting classifications (1 of 4 stars). 2 submissions from 2 submitters: Uncertain significance (1); Likely benign (1). Last evaluated 2024-11-09.

Allele frequency attached by ClinVar (database versions not stated): gnomAD 0.00001; TOPMed 0.00001; ExAC 0.00002; gnomAD exomes 0.00002 and 0.00003.
gnomAD v4.1: 38 of 1,570,252 alleles (0.0024%); highest among the groups gnomAD compares: South Asian, 0.0081%; no homozygotes.

Submissions (2):

Ambry Genetics
Classification: Likely benign. Last evaluated: 2024-11-09. Review status: criteria provided, single submitter. Criteria: Ambry Variant Classification Scheme 2023. Collection method: clinical testing. Allele origin: germline.

Labcorp Genetics (formerly Invitae), Labcorp
Classification: Uncertain significance. Last evaluated: 2022-02-22. Review status: criteria provided, single submitter. Criteria: Invitae Variant Classification Sherloc (09022015). Collection method: clinical testing. Allele origin: germline.
Comment: This sequence change replaces arginine, which is basic and polar, with glutamine, which is neutral and polar, at codon 260 of the TNFRSF6B protein (p.Arg260Gln). This variant is present in population databases (rs757105703, gnomAD 0.01%). This variant has not been reported in the literature in individuals affected with TNFRSF6B-related conditions. Algorithms developed to predict the effect of missense changes on protein structure and function output the following: SIFT: "Tolerated"; PolyPhen-2: "Benign"; Align-GVGD: "Class C0". The glutamine amino acid residue is found in multiple mammalian species, which suggests that this missense change does not adversely affect protein function. In summary, the available evidence is currently insufficient to determine the role of this variant in disease. Therefore, it has been classified as a Variant of Uncertain Significance.